The following is an entry in ClinVar:

NM_016151.4(TAOK2):c.727C>T (p.Pro243Ser)

Gene: TAOK2 (TAO kinase 2; plus strand). Cytogenetic location: 16p11.2.
Variant type: single nucleotide variant.
Coding change: c.727C>T on transcript NM_016151.4 (MANE Select); coding-DNA position 727, C replaced by T.
Protein change: p.Pro243Ser; replaces proline 243 with serine.
Molecular consequence: missense variant.
Genome position (GRCh38, 1-based): chr16:29,981,732, C>T. VCF-style: chr16-29981732-C-T. GRCh37 (hg19) VCF-style: chr16-29993053-C-T.
Other names: c.727C>T, p.Pro243Ser (NM_001252043.2, NM_004783.4); short protein forms P243S.
Identifiers: ClinVar variation 2824174 (VCV002824174.3), dbSNP rs143934788, ClinGen allele CA7997917.
Genomic context (GRCh38, chr16:29,981,732, plus strand): 5'-CCACCGCTCTTTAACATGAATGCGATGAGTGCCTTATACCACATTGCACAGAACGAATCC[C>T]CCGTGCTCCAGTCAGGACACTGGTGAGGACTGAGATTCCGAATCTGGGCCCAGGCGTTAG-3'
Protein context (NP_057235.2, residues 233-253): ALYHIAQNES[Pro243Ser]VLQSGHWSEY

ClinVar aggregate classification (germline): Uncertain significance (1 of 4 stars; one submission).

Allele frequency attached by ClinVar (database versions not stated): TOPMed below 0.00001; gnomAD 0.00001; ExAC 0.00002; ESP Exome Variant Server 0.00008.

Submission:

Labcorp Genetics (formerly Invitae), Labcorp
Classification: Uncertain significance. Last evaluated: 2023-03-12. Review status: criteria provided, single submitter. Criteria: Invitae Variant Classification Sherloc (09022015). Collection method: clinical testing. Allele origin: germline.
Comment: This variant is present in population databases (rs143934788, gnomAD 0.002%). This sequence change replaces proline, which is neutral and non-polar, with serine, which is neutral and polar, at codon 243 of the TAOK2 protein (p.Pro243Ser). In summary, the available evidence is currently insufficient to determine the role of this variant in disease. Therefore, it has been classified as a Variant of Uncertain Significance. An algorithm developed to predict the effect of missense changes on protein structure and function (PolyPhen-2) suggests that this variant is likely to be disruptive. This variant has not been reported in the literature in individuals affected with TAOK2-related conditions.